The following is an entry in ClinVar:

NM_005765.3(ATP6AP2):c.-70C>T

Gene: ATP6AP2 (ATPase H+ transporting accessory protein 2; plus strand). Cytogenetic location: Xp11.4.
Variant type: single nucleotide variant.
Coding change: c.-70C>T on transcript NM_005765.3 (MANE Select); 70 bases upstream of the start codon, C replaced by T.
Molecular consequence: 5 prime UTR variant.
Genome position (GRCh38, 1-based): chrX:40,580,996, C>T. VCF-style: chrX-40580996-C-T. GRCh37 (hg19) VCF-style: chrX-40440248-C-T.
Identifiers: ClinVar variation 1683316 (VCV001683316.1), dbSNP rs2146534430, ClinGen allele CA2573158686.

ClinVar aggregate classification (germline): Uncertain significance (1 of 4 stars; one submission).

Submission:

Women's Health and Genetics/Laboratory Corporation of America, LabCorp
Classification: Uncertain significance. Last evaluated: 2022-04-26. Review status: criteria provided, single submitter. Criteria: LabCorp Variant Classification Summary - May 2015. Collection method: clinical testing. Allele origin: germline.
Comment: Variant summary: ATP6AP2 c.-70C>T is located in the untranslated mRNA region upstream of the initiation codon. 4/4 computational tools predict no significant impact on normal splicing. However, these predictions have yet to be confirmed by functional studies. The variant was absent in 102181 control chromosomes. The available data on variant occurrences in the general population are insufficient to allow any conclusion about variant significance. To our knowledge, no occurrence of c.-70C>T in individuals affected with Syndromic X-Linked Intellectual Disability Hedera Type and no experimental evidence demonstrating its impact on protein function have been reported. No clinical diagnostic laboratories have submitted clinical-significance assessments for this variant to ClinVar after 2014. Based on the evidence outlined above, the variant was classified as uncertain significance.